The following is an entry in ClinVar:

NM_019032.6(ADAMTSL4):c.2560-4G>A

Gene: ADAMTSL4 (ADAMTS like 4; plus strand). Cytogenetic location: 1q21.2.
Variant type: single nucleotide variant.
Coding change: c.2560-4G>A on transcript NM_019032.6 (MANE Select); 4 bases into the intron before coding-DNA position 2560, G replaced by A.
Molecular consequence: intron variant.
Genome position (GRCh38, 1-based): chr1:150,558,958, G>A. VCF-style: chr1-150558958-G-A. GRCh37 (hg19) VCF-style: chr1-150531434-G-A.
Other names: c.2629-4G>A (NM_001288608.2); c.2443-4G>A (NM_001288607.2); c.2560-4G>A (NM_001378596.1).
Identifiers: ClinVar variation 626059 (VCV000626059.14), dbSNP rs374389962, ClinGen allele CA1078767.
Genomic context (GRCh38, chr1:150,558,958, plus strand): 5'-CCCTACTGTCCCTTGTGCCAGTCACCAGCAGGCCCCTCACACAGGCCGCTCTCCTCCTCC[G>A]CAGTGCTCAGCCGAGTGTGGGACGGGAATCCAGCGGCGCTCTGTGGTCTGCCTTGGGAGT-3'

ClinVar aggregate classification (germline): Conflicting classifications of pathogenicity. Review status: criteria provided, conflicting classifications (1 of 4 stars). 4 submissions from 4 submitters: Uncertain significance (1); Likely benign (2). 1 of the submissions does not count toward it. Last evaluated 2026-01-18.

Conditions:
Ectopia lentis et pupillae. Also called: ECTOPIA LENTIS WITH ECTOPIA OF PUPIL. Identifiers: Orphanet 1885, MedGen C1644196, MONDO:0009153, OMIM 225200.
Ectopia lentis 2, isolated, autosomal recessive (ECTOL2). Identifiers: Orphanet 1885, MedGen C3541474, MONDO:0009152, OMIM 225100.
ADAMTSL4-related disorder. Also called: ADAMTSL4-Related Disorders; ADAMTSL4-related condition.

Allele frequency attached by ClinVar (database versions not stated): ESP Exome Variant Server 0.00015; TOPMed 0.00029; gnomAD 0.00030 and 0.00034; gnomAD exomes 0.00047; ExAC 0.00065.
gnomAD v4.1: 899 of 1,603,586 alleles (0.056%); highest among the groups gnomAD compares: South Asian, 0.17%; 4 homozygotes.

Submissions (4):

Labcorp Genetics (formerly Invitae), Labcorp
Classification: Likely benign. Last evaluated: 2026-01-18. Review status: criteria provided, single submitter. Criteria: Invitae Variant Classification Sherloc (09022015). Collection method: clinical testing. Allele origin: germline.

Blueprint Genetics
Classification: Likely benign. Last evaluated: 2024-10-21. Review status: criteria provided, single submitter. Criteria: ACMG Guidelines, 2015. Collection method: clinical testing. Allele origin: germline.

Center for Genomics, Ann and Robert H. Lurie Children's Hospital of Chicago
Classification: Uncertain significance for Ectopia lentis et pupillae; Ectopia lentis 2, isolated, autosomal recessive. Review status: criteria provided, single submitter. Criteria: ACMG Guidelines, 2015. Collection method: clinical testing. Allele origin: germline.
Comment: ADAMTSL4 NM_019032 exon 16 c.2560-4G>A: This variant has not been reported in the literature but is present in 0.1% (52/29044) of South Asian alleles, including 2 homozygotes in the Genome Aggregation Database. Evolutionary conservation and computational predictive tools for this variant are limited or unavailable. This variant is an intronic variant with no predicted change in the amino acid sequence but may have an unknown effect on splicing. Further studies are needed to understand its impact. In summary, data on this variant is insufficient for disease classification. Therefore, the clinical significance of this variant is uncertain.

PreventionGenetics, part of Exact Sciences
Classification: Likely benign for ADAMTSL4-related condition. Last evaluated: 2023-08-22. Review status: no assertion criteria provided. Collection method: clinical testing. Allele origin: germline. Not counted in ClinVar's aggregate classification.
Comment: This variant is classified as likely benign based on ACMG/AMP sequence variant interpretation guidelines (Richards et al. 2015 PMID: 25741868, with internal and published modifications).